The following is an entry in ClinVar:

ClinVar aggregate classification (germline): Benign/Likely benign. Review status: criteria provided, multiple submitters, no conflicts (2 of 4 stars). 5 submissions from 5 submitters: Benign (1); Likely benign (3). 1 of the submissions does not count toward it. Last evaluated 2026-01-18.

Conditions:
Cardiovascular phenotype. Identifiers: MedGen CN230736.
Duchenne muscular dystrophy (DMD). Also called: MUSCULAR DYSTROPHY, PSEUDOHYPERTROPHIC PROGRESSIVE, DUCHENNE TYPE; Duchenne Muscular Dystrophy (DMD). Identifiers: Orphanet 98896, MedGen C0013264, MONDO:0010679, OMIM 310200.
Becker muscular dystrophy (BMD). Also called: Becker Muscular Dystrophy (BMD); MUSCULAR DYSTROPHY, PSEUDOHYPERTROPHIC PROGRESSIVE, BECKER TYPE. Identifiers: Orphanet 98895, MedGen C0917713, MONDO:0010311, OMIM 300376.
Dystrophin deficiency.
Cardiomyopathy (CMYO). Also called: Cardiomyopathies. Identifiers: Orphanet 167848, MedGen C0878544, MONDO:0004994, HP:0001638. Inheritance: Various modes of inheritance.

Allele frequency attached by ClinVar (database versions not stated): gnomAD 0.00010; TOPMed 0.00010; gnomAD exomes 0.00011; ExAC 0.00013.
gnomAD v4.1: 101 of 1,204,567 alleles (0.0084%); highest among the groups gnomAD compares: Non-Finnish European, 0.0057%; no homozygotes.

Submissions (5):

Labcorp Genetics (formerly Invitae), Labcorp
Classification: Benign for Duchenne muscular dystrophy. Last evaluated: 2026-01-18. Review status: criteria provided, single submitter. Criteria: Invitae Variant Classification Sherloc (09022015). Collection method: clinical testing. Allele origin: germline.

CeGaT Center for Human Genetics Tuebingen
Classification: Likely benign. Last evaluated: 2024-04-01. Review status: criteria provided, single submitter. Criteria: CeGaT Center For Human Genetics Tuebingen Variant Classification Criteria Version 2. Collection method: clinical testing. Allele origin: germline. Affected: yes. Observed: 1 variant allele.
Comment: DMD: BP4, BS2

Ambry Genetics
Classification: Likely benign for Cardiovascular phenotype. Last evaluated: 2017-06-08. Review status: criteria provided, single submitter. Criteria: Ambry Variant Classification Scheme 2023. Collection method: clinical testing. Allele origin: germline.

GeneDx
Classification: Likely benign. Last evaluated: 2016-11-17. Review status: criteria provided, single submitter. Criteria: GeneDx Variant Classification (06012015). Collection method: clinical testing. Allele origin: germline. Affected: yes.
Comment: This variant is considered likely benign or benign based on one or more of the following criteria: it is a conservative change, it occurs at a poorly conserved position in the protein, it is predicted to be benign by multiple in silico algorithms, and/or has population frequency not consistent with disease.

Natera, Inc.
Classification: Likely benign for Becker muscular dystrophy; Cardiomyopathy; Duchenne muscular dystrophy; Dystrophin deficiency. Last evaluated: 2020-04-24. Review status: no assertion criteria provided. Collection method: clinical testing. Allele origin: germline. Not counted in ClinVar's aggregate classification.

NM_004006.3(DMD):c.6143G>A (p.Ser2048Asn)

Gene: DMD (dystrophin; minus strand). Cytogenetic location: Xp21.1.
Variant type: single nucleotide variant.
Coding change: c.6143G>A on transcript NM_004006.3 (MANE Select); coding-DNA position 6143, G replaced by A.
Protein change: p.Ser2048Asn; replaces serine 2048 with asparagine.
Molecular consequence: missense variant.
Genome position (GRCh38, 1-based): chrX:32,287,676, C>T on the plus strand (G>A on the coding strand, the complement: DMD is on the minus strand). VCF-style: chrX-32287676-C-T. GRCh37 (hg19) VCF-style: chrX-32305793-C-T.
Other names: c.6119G>A, p.Ser2040Asn (NM_000109.4); c.6131G>A, p.Ser2044Asn (NM_004009.3); c.5774G>A, p.Ser1925Asn (NM_004010.3); c.2120G>A, p.Ser707Asn (NM_004011.4); c.2111G>A, p.Ser704Asn (NM_004012.4); short protein forms S2048N, S1925N, S2040N, S2044N, S704N, S707N.
Identifiers: ClinVar variation 390847 (VCV000390847.37), dbSNP rs200494003, ClinGen allele CA10378522.
Genomic context (GRCh38, chrX:32,287,676, plus strand): 5'-GGCGTTGCACTTTGCAATGCTGCTGTCTTCTTGCTATGAATAATGTCAATCCGACCTGAG[C>T]TTTGTTGTAGACTATCTTTTATATTCTGTAATATAAAAATTTTAAAACAGTAAAAAAATG-3'
Protein context (NP_003997.2, residues 2038-2058): LKNIKDSLQQ[Ser2048Asn]SGRIDIIHSK